The following is an entry in ClinVar:

ClinVar aggregate classification (germline): Uncertain significance (1 of 4 stars; one submission).

Submission:

Labcorp Genetics (formerly Invitae), Labcorp
Classification: Uncertain significance. Last evaluated: 2025-10-18. Review status: criteria provided, single submitter. Criteria: Invitae Variant Classification Sherloc (09022015). Collection method: clinical testing. Allele origin: germline.
Comment: This sequence change replaces proline, which is neutral and non-polar, with arginine, which is basic and polar, at codon 634 of the LAMB1 protein (p.Pro634Arg). This variant is not present in population databases (gnomAD no frequency). This variant has not been reported in the literature in individuals affected with LAMB1-related conditions. An algorithm developed to predict the effect of missense changes on protein structure and function (PolyPhen-2) suggests that this variant is likely to be disruptive. In summary, the available evidence is currently insufficient to determine the role of this variant in disease. Therefore, it has been classified as a Variant of Uncertain Significance.

NM_002291.3(LAMB1):c.1901C>G (p.Pro634Arg)

Gene: LAMB1 (laminin subunit beta 1; minus strand). Cytogenetic location: 7q31.1.
Variant type: single nucleotide variant.
Coding change: c.1901C>G on transcript NM_002291.3 (MANE Select); coding-DNA position 1901, C replaced by G.
Protein change: p.Pro634Arg; replaces proline 634 with arginine.
Molecular consequence: missense variant.
Genome position (GRCh38, 1-based): chr7:107,961,633, G>C on the plus strand (C>G on the coding strand, the complement: LAMB1 is on the minus strand). VCF-style: chr7-107961633-G-C. GRCh37 (hg19) VCF-style: chr7-107602078-G-C.
Other names: short protein forms P634R.
Identifiers: ClinVar variation 4728818 (VCV004728818.1).